The following is an entry in ClinVar:

NM_003628.6(PKP4):c.1754A>C (p.Glu585Ala)

Gene: PKP4 (plakophilin 4; plus strand). Cytogenetic location: 2q24.1.
Variant type: single nucleotide variant.
Coding change: c.1754A>C on transcript NM_003628.6 (MANE Select); coding-DNA position 1754, A replaced by C.
Protein change: p.Glu585Ala; replaces glutamic acid 585 with alanine.
Molecular consequence: missense variant.
Genome position (GRCh38, 1-based): chr2:158,642,544, A>C. VCF-style: chr2-158642544-A-C. GRCh37 (hg19) VCF-style: chr2-159499056-A-C.
Other names: c.1754A>C, p.Glu585Ala (NM_001005476.4, NM_001304971.2, NM_001377218.1 and 1 more transcripts); c.1751A>C, p.Glu584Ala (NM_001304969.3, NM_001377219.1, NM_001377220.1 and 2 more transcripts); c.725A>C, p.Glu242Ala (NM_001304970.3); c.1748A>C, p.Glu583Ala (NM_001377222.1, NM_001377223.1); c.1745A>C, p.Glu582Ala (NM_001377224.1); short protein forms E242A, E582A, E583A, E584A, E585A.
Identifiers: ClinVar variation 3223493 (VCV003223493.1), dbSNP rs549049069, ClinGen allele CA58659728.

ClinVar aggregate classification (germline): Uncertain significance (1 of 4 stars; one submission).

Allele frequency attached by ClinVar (database versions not stated): TOPMed 0.00001; gnomAD 0.00002; gnomAD exomes 0.00002.
gnomAD v4.1: 15 of 1,613,626 alleles (0.00093%); highest among the groups gnomAD compares: Non-Finnish European, 0.0011%; no homozygotes.

Submission:

Ambry Genetics
Classification: Uncertain significance. Last evaluated: 2024-02-25. Review status: criteria provided, single submitter. Criteria: Ambry Variant Classification Scheme 2023. Collection method: clinical testing. Allele origin: germline.
Comment: The p.E585A variant (also known as c.1754A>C), located in coding exon 10 of the PKP4 gene, results from an A to C substitution at nucleotide position 1754. The glutamic acid at codon 585 is replaced by alanine, an amino acid with dissimilar properties. This amino acid position is conserved. In addition, the in silico prediction for this alteration is inconclusive. Based on the available evidence, the clinical significance of this alteration remains unclear.